The following is an entry in ClinVar:

NM_201253.3(CRB1):c.2685_2686del (p.Cys896fs)

Gene: CRB1 (crumbs cell polarity complex component 1; plus strand). Cytogenetic location: 1q31.3.
Variant type: Deletion.
Coding change: c.2685_2686del on transcript NM_201253.3 (MANE Select); coding-DNA positions 2685 to 2686, 2 bases deleted (CT; older notation c.2685_2686delCT).
Protein change: p.Cys896fs; shifts the reading frame from cysteine 896.
Molecular consequence: frameshift variant. On other transcripts: non-coding transcript variant (2), intron variant (1).
Genome position (GRCh38, 1-based): chr1:197,429,457-197,429,458, CT deleted. VCF-style (leftmost placement, unchanged base first): chr1-197429456-CCT-C. GRCh37 (hg19) VCF-style: chr1-197398586-CCT-C.
Other names: c.2685_2686delCT (NM_201253.2); c.2349_2350del, p.Cys784fs (NM_001193640.2); c.2613_2614del, p.Cys872fs (NM_001257965.2); c.2129-6143_2129-6142del (NM_001257966.2); short protein forms C784fs, C896fs, C872fs.
Identifiers: ClinVar variation 4926955 (VCV004926955.2).

ClinVar aggregate classification (germline): Likely pathogenic. Review status: criteria provided, multiple submitters, no conflicts (2 of 4 stars). 2 submissions from 2 submitters: Likely pathogenic (2). Last evaluated 2025-04-30.

Conditions:
CRB1-related disorder. Also called: CRB1-related condition; CRB1-related disorders.

Submissions (2):

PreventionGenetics, part of Exact Sciences
Classification: Likely pathogenic for CRB1-related condition. Last evaluated: 2025-04-30. Review status: criteria provided, single submitter. Criteria: ACMG Guidelines, 2015. Collection method: clinical testing. Allele origin: germline.
Comment: The CRB1 c.2685_2686delCT variant is predicted to result in a frameshift and premature protein termination (p.Cys896Serfs*12). To our knowledge, this variant has not been reported in the literature or in a large population database (gnomAD), indicating this variant is rare. Frameshift variants in CRB1 are expected to be pathogenic. This variant is interpreted as likely pathogenic.

Blueprint Genetics
Classification: Likely pathogenic for CRB1-related disorders. Last evaluated: 2019-03-06. Review status: criteria provided, single submitter. Criteria: ACMG Guidelines, 2015. Collection method: clinical testing. Allele origin: germline. Affected: yes. Observed: 1 variant allele.